The following is an entry in ClinVar:

NM_018723.4(RBFOX1):c.158C>G (p.Thr53Arg)

Gene: RBFOX1 (RNA binding fox-1 homolog 1; plus strand). Cytogenetic location: 16p13.3.
Variant type: single nucleotide variant.
Coding change: c.158C>G on transcript NM_018723.4 (MANE Select); coding-DNA position 158, C replaced by G.
Protein change: p.Thr53Arg; replaces threonine 53 with arginine.
Molecular consequence: missense variant.
Genome position (GRCh38, 1-based): chr16:7,518,277, C>G. VCF-style: chr16-7518277-C-G. GRCh37 (hg19) VCF-style: chr16-7568279-C-G.
Other names: c.158C>G, p.Thr53Arg (NM_001142333.2, NM_001142334.2, NM_001364800.2); c.287C>G, p.Thr96Arg (NM_001308117.1); c.218C>G, p.Thr73Arg (NM_145891.3, NM_145892.3, NM_145893.3); short protein forms T53R, T96R, T73R.
Identifiers: ClinVar variation 640496 (VCV000640496.10), dbSNP rs1600686165, ClinGen allele CA394796552.
Genomic context (GRCh38, chr16:7,518,277, plus strand): 5'-CGCAGAACGGTATCCCCGCGGAATACACGGCCCCTCATCCCCACCCCGCGCCAGAGTACA[C>G]AGGCCAGACCACGGTTCCCGAGCACACATTAAACCTGTACCCTCCCGCCCAGACGCACTC-3'
Protein context (NP_061193.2, residues 43-63): APHPHPAPEY[Thr53Arg]GQTTVPEHTL

ClinVar aggregate classification (germline): Uncertain significance (1 of 4 stars; one submission).

Conditions:
Idiopathic generalized epilepsy. Also called: EIG; Generalised epilepsy. Identifiers: MedGen C0270850, MONDO:0005579, OMIM 600669.

Allele frequency attached by ClinVar (database versions not stated): TOPMed below 0.00001.

Submission:

Labcorp Genetics (formerly Invitae), Labcorp
Classification: Uncertain significance for Idiopathic generalized epilepsy. Last evaluated: 2021-04-17. Review status: criteria provided, single submitter. Criteria: Invitae Variant Classification Sherloc (09022015). Collection method: clinical testing. Allele origin: germline.
Comment: In summary, the available evidence is currently insufficient to determine the role of this variant in disease. Therefore, it has been classified as a Variant of Uncertain Significance. Algorithms developed to predict the effect of missense changes on protein structure and function are either unavailable or do not agree on the potential impact of this missense change (SIFT: "Deleterious"; PolyPhen-2: "Probably Damaging"; Align-GVGD: "Class C0"). This variant has not been reported in the literature in individuals with RBFOX1-related conditions. ClinVar contains an entry for this variant (Variation ID: 640496). This variant is not present in population databases (ExAC no frequency). This sequence change replaces threonine with arginine at codon 73 of the RBFOX1 protein (p.Thr73Arg). The threonine residue is moderately conserved and there is a moderate physicochemical difference between threonine and arginine.